The following is an entry in ClinVar:

NM_001367873.1(SOX6):c.651G>A (p.Ala217=)

Gene: SOX6 (SRY-box transcription factor 6; minus strand). Cytogenetic location: 11p15.2.
Variant type: single nucleotide variant.
Coding change: c.651G>A on transcript NM_001367873.1 (MANE Select); coding-DNA position 651, G replaced by A.
Protein change: p.Ala217=; no amino-acid change (alanine 217 retained).
Molecular consequence: synonymous variant.
Genome position (GRCh38, 1-based): chr11:16,186,840, C>T on the plus strand (G>A on the coding strand, the complement: SOX6 is on the minus strand). VCF-style: chr11-16186840-C-T. GRCh37 (hg19) VCF-style: chr11-16208386-C-T.
Other names: c.690G>A (NM_001145819.1); c.651G>A, p.Ala217= (NM_001145811.2, NM_001145819.2, NM_001367872.1 and 2 more transcripts).
Identifiers: ClinVar variation 1559096 (VCV001559096.10), dbSNP rs75802585, ClinGen allele CA5898374.

ClinVar aggregate classification (germline): Benign. Review status: criteria provided, single submitter (1 of 4 stars). 2 submissions from 2 submitters: Benign (1). 1 of the submissions does not count toward it. Last evaluated 2021-09-08.

Conditions:
SOX6-related disorder. Also called: SOX6-related condition.

Allele frequency attached by ClinVar (database versions not stated): gnomAD exomes 0.00016 and 0.00040; ExAC 0.00044; gnomAD 0.00154 and 0.00164; 1000 Genomes Project 0.00180; TOPMed 0.00181; 1000 Genomes Project 30x 0.00203; ESP Exome Variant Server 0.00208.
gnomAD v4.1: 480 of 1,613,730 alleles (0.03%); highest among the groups gnomAD compares: African/African-American, 0.57%; 1 homozygote.

Submissions (2):

Labcorp Genetics (formerly Invitae), Labcorp
Classification: Benign. Last evaluated: 2021-09-08. Review status: criteria provided, single submitter. Criteria: Invitae Variant Classification Sherloc (09022015). Collection method: clinical testing. Allele origin: germline.

PreventionGenetics, part of Exact Sciences
Classification: Likely benign for SOX6-related condition. Last evaluated: 2019-06-19. Review status: no assertion criteria provided. Collection method: clinical testing. Allele origin: germline. Not counted in ClinVar's aggregate classification.
Comment: This variant is classified as likely benign based on ACMG/AMP sequence variant interpretation guidelines (Richards et al. 2015 PMID: 25741868, with internal and published modifications).